The following is an entry in ClinVar:

NM_004628.5(XPC):c.103+1G>A

Genes: XPC (XPC complex subunit, DNA damage recognition and repair factor; minus strand), LOC129936244 (ATAC-STARR-seq lymphoblastoid active region 19500; plus strand). Cytogenetic location: 3p25.1.
Variant type: single nucleotide variant.
Coding change: c.103+1G>A on transcript NM_004628.5 (MANE Select); the canonical splice donor site of the intron after coding-DNA position 103, G replaced by A.
Molecular consequence: splice donor variant. On other transcripts: intron variant (1).
Genome position (GRCh38, 1-based): chr3:14,178,465, C>T on the plus strand (G>A on the coding strand, the complement: XPC is on the minus strand). VCF-style: chr3-14178465-C-T. GRCh37 (hg19) VCF-style: chr3-14219965-C-T.
Other names: c.85+19G>A (NM_001354729.2); c.-353+1G>A (NM_001354726.2); c.103+1G>A (NM_001354730.2, NM_001354727.2).
Identifiers: ClinVar variation 553460 (VCV000553460.11), dbSNP rs1423398589, ClinGen allele CA351543560.
Genomic context (GRCh38, chr3:14,178,465, plus strand): 5'-TCTGGGCCTCCTCCGCCCACCGGCGGCGTCTCCCGCGAAGCCCGCTGGGCCTCGCTCTCA[C>T]CCTCCTCCTCCTCCTCACGCCGGGCCTTGCTCTTGGCCTTGGATTTCTGGCTGCGCAGTT-3'

ClinVar aggregate classification (germline): Pathogenic. Review status: criteria provided, multiple submitters, no conflicts (2 of 4 stars). 3 submissions from 3 submitters: Pathogenic (2). 1 of the submissions does not count toward it. Last evaluated 2023-09-16.

Conditions:
Xeroderma pigmentosum, group C (XPC). Also called: Xeroderma pigmentosum, complementation group C; XERODERMA PIGMENTOSUM III; XP, GROUP C; XPC-Related Xeroderma Pigmentosum. Identifiers: Orphanet 910, MedGen C2752147, MONDO:0010211, OMIM 278720.

Submissions (3):

Baylor Genetics
Classification: Pathogenic for Xeroderma pigmentosum, group C. Last evaluated: 2023-09-16. Review status: criteria provided, single submitter. Criteria: ACMG Guidelines, 2015. Collection method: clinical testing. Allele origin: unknown.

Labcorp Genetics (formerly Invitae), Labcorp
Classification: Pathogenic. Last evaluated: 2023-06-23. Review status: criteria provided, single submitter. Criteria: Invitae Variant Classification Sherloc (09022015). Collection method: clinical testing. Allele origin: germline.
Comment: This variant is not present in population databases (gnomAD no frequency). This sequence change affects a donor splice site in intron 1 of the XPC gene. It is expected to disrupt RNA splicing. Variants that disrupt the donor or acceptor splice site typically lead to a loss of protein function (PMID: 16199547), and loss-of-function variants in XPC are known to be pathogenic (PMID: 23173980, 25256075). Disruption of this splice site has been observed in individual(s) with xeroderma pigmentosum (PMID: 28669926). In at least one individual the data is consistent with being in trans (on the opposite chromosome) from a pathogenic variant. This variant is also known as IVS1+1G>A. ClinVar contains an entry for this variant (Variation ID: 553460). Algorithms developed to predict the effect of sequence changes on RNA splicing suggest that this variant may disrupt the consensus splice site. For these reasons, this variant has been classified as Pathogenic.

Counsyl
Classification: Likely pathogenic for Xeroderma pigmentosum, group C. Last evaluated: 2017-08-25. Review status: no assertion criteria provided. Collection method: clinical testing. Allele origin: unknown. Not counted in ClinVar's aggregate classification.

Literature cited by the submitters: PubMed 16199547 (cited by Labcorp Genetics (formerly Invitae), Labcorp); PubMed 23173980 (cited by Labcorp Genetics (formerly Invitae), Labcorp); PubMed 25256075 (cited by Labcorp Genetics (formerly Invitae), Labcorp); PubMed 28669926 (cited by Labcorp Genetics (formerly Invitae), Labcorp).